The following is an entry in ClinVar:

NM_005876.5(SPEG):c.4876G>C (p.Glu1626Gln)

Gene: SPEG (striated muscle enriched protein kinase; plus strand). Cytogenetic location: 2q35.
Variant type: single nucleotide variant.
Coding change: c.4876G>C on transcript NM_005876.5 (MANE Select); coding-DNA position 4876, G replaced by C.
Protein change: p.Glu1626Gln; replaces glutamic acid 1626 with glutamine.
Molecular consequence: missense variant.
Genome position (GRCh38, 1-based): chr2:219,477,954, G>C. VCF-style: chr2-219477954-G-C. GRCh37 (hg19) VCF-style: chr2-220342676-G-C.
Other names: short protein forms E1626Q.
Identifiers: ClinVar variation 1503464 (VCV001503464.6), dbSNP rs772487420, ClinGen allele CA2126664.

ClinVar aggregate classification (germline): Uncertain significance (1 of 4 stars; one submission).

Allele frequency attached by ClinVar (database versions not stated): ExAC 0.00001; gnomAD exomes 0.00002; gnomAD 0.00003; TOPMed 0.00003.
gnomAD v4.1: 37 of 1,614,062 alleles (0.0023%); highest among the groups gnomAD compares: Non-Finnish European, 0.0026%; no homozygotes.

Submission:

Labcorp Genetics (formerly Invitae), Labcorp
Classification: Uncertain significance. Last evaluated: 2025-11-01. Review status: criteria provided, single submitter. Criteria: Invitae Variant Classification Sherloc (09022015). Collection method: clinical testing. Allele origin: germline.
Comment: This sequence change replaces glutamic acid, which is acidic and polar, with glutamine, which is neutral and polar, at codon 1626 of the SPEG protein (p.Glu1626Gln). This variant is present in population databases (rs772487420, gnomAD 0.004%). This variant has not been reported in the literature in individuals affected with SPEG-related conditions. ClinVar contains an entry for this variant (Variation ID: 1503464). An algorithm developed to predict the effect of missense changes on protein structure and function (PolyPhen-2) suggests that this variant is likely to be disruptive. In summary, the available evidence is currently insufficient to determine the role of this variant in disease. Therefore, it has been classified as a Variant of Uncertain Significance.